The following is an entry in ClinVar:

NM_170707.4(LMNA):c.710T>C (p.Phe237Ser)

Gene: LMNA (lamin A/C; plus strand). Cytogenetic location: 1q22.
Variant type: single nucleotide variant.
Coding change: c.710T>C on transcript NM_170707.4 (MANE Select); coding-DNA position 710, T replaced by C.
Protein change: p.Phe237Ser; replaces phenylalanine 237 with serine.
Molecular consequence: missense variant.
Genome position (GRCh38, 1-based): chr1:156,134,875, T>C. VCF-style: chr1-156134875-T-C. GRCh37 (hg19) VCF-style: chr1-156104666-T-C.
Other names: c.374T>C, p.Phe125Ser (NM_001257374.3); c.467T>C, p.Phe156Ser (NM_001282624.2); c.710T>C, p.Phe237Ser (NM_001282625.2, NM_001282626.2, NM_005572.4 and 1 more transcripts); short protein forms F237S, F156S, F125S.
Identifiers: ClinVar variation 180404 (VCV000180404.6), dbSNP rs730880132, ClinGen allele CA018485.

ClinVar aggregate classification (germline): Conflicting classifications of pathogenicity. Review status: criteria provided, conflicting classifications (1 of 4 stars). 2 submissions from 2 submitters: Pathogenic (1); Uncertain significance (1). Last evaluated 2023-11-28.

Conditions:
Cardiovascular phenotype. Identifiers: MedGen CN230736.
LMNA-related disorder. Also called: LMNA-related condition; LMNA-related disease; LMNA-related disorders. Identifiers: MedGen CN380145.

Submissions (2):

Blueprint Genetics
Classification: Pathogenic for LMNA-related disorders. Last evaluated: 2023-11-28. Review status: criteria provided, single submitter. Criteria: ACMG Guidelines, 2015. Collection method: clinical testing. Allele origin: germline. Affected: yes. Observed: 5 variant alleles.

Ambry Genetics
Classification: Uncertain significance for Cardiovascular phenotype. Last evaluated: 2021-02-24. Review status: criteria provided, single submitter. Criteria: Ambry Variant Classification Scheme 2023. Collection method: clinical testing. Allele origin: germline.
Comment: The p.F237S variant (also known as c.710T>C), located in coding exon 4 of the LMNA gene, results from a T to C substitution at nucleotide position 710. The phenylalanine at codon 237 is replaced by serine, an amino acid with highly dissimilar properties. This amino acid position is highly conserved in available vertebrate species. In addition, this alteration is predicted to be deleterious by in silico analysis. Since supporting evidence is limited at this time, the clinical significance of this alteration remains unclear.